The following is an entry in ClinVar:

ClinVar aggregate classification (germline): Likely benign (1 of 4 stars; one submission).

Submission:

Mayo Clinic Laboratories, Mayo Clinic
Classification: Likely benign. Last evaluated: 2025-06-11. Review status: criteria provided, single submitter. Criteria: ACMG Guidelines, 2015. Collection method: clinical testing. Allele origin: germline. Observed: 1 variant allele.
Comment: BP4, BP7, PM2_supporting

NM_001130004.2(ACTN1):c.2226C>A (p.Gly742=)

Gene: ACTN1 (actinin alpha 1; minus strand). Cytogenetic location: 14q24.1.
Variant type: single nucleotide variant.
Coding change: c.2226C>A on transcript NM_001130004.2 (MANE Select); coding-DNA position 2226, C replaced by A.
Protein change: p.Gly742=; no amino-acid change (glycine 742 retained).
Molecular consequence: synonymous variant.
Genome position (GRCh38, 1-based): chr14:68,880,016, G>T on the plus strand (C>A on the coding strand, the complement: ACTN1 is on the minus strand). VCF-style: chr14-68880016-G-T. GRCh37 (hg19) VCF-style: chr14-69346733-G-T.
Other names: p.Gly742=; c.2226C>A, p.Gly742= (NM_001130005.2, NM_001424012.1, NM_001424014.1 and 2 more transcripts); c.2250C>A, p.Gly750= (NM_001411035.1, NM_001424016.1); c.2031C>A, p.Gly677= (NM_001411036.1, NM_001424026.1, NM_001424028.1); c.2352C>A, p.Gly784= (NM_001424013.1); c.2313C>A, p.Gly771= (NM_001424015.1); c.2223C>A, p.Gly741= (NM_001424017.1); c.2187C>A, p.Gly729= (NM_001424018.1); and 4 more.
Identifiers: ClinVar variation 4683888 (VCV004683888.1).